The following is an entry in ClinVar:

ClinVar aggregate classification (germline): Uncertain significance. Review status: criteria provided, multiple submitters, no conflicts (2 of 4 stars). 3 submissions from 3 submitters: Uncertain significance (3). Last evaluated 2025-05-17.

Conditions:
Familial colorectal cancer type X. Identifiers: Orphanet 440437, MedGen C3896578, MONDO:0018604.
Polymerase proofreading-related adenomatous polyposis. Also called: Polymerase proofreading associated polyposis; Polymerase proofreading–associated polyposis (PPAP). Identifiers: Orphanet 447877, MedGen C5202613, MONDO:0018653.
Hereditary cancer-predisposing syndrome. Also called: Tumor predisposition; Hereditary neoplastic syndrome; Hereditary Cancer Syndrome; Neoplastic Syndromes, Hereditary. Identifiers: Orphanet 140162, MedGen C0027672, MeSH D009386, MONDO:0015356.

Allele frequency attached by ClinVar (database versions not stated): gnomAD exomes below 0.00001.
gnomAD v4.1: 1 of 1,613,798 alleles (0.000062%); highest among the groups gnomAD compares: Non-Finnish European, 0.000085%; no homozygotes.

Submissions (3):

Ambry Genetics
Classification: Uncertain significance for Hereditary cancer-predisposing syndrome. Last evaluated: 2025-05-17. Review status: criteria provided, single submitter. Criteria: Ambry Variant Classification Scheme 2023. Collection method: clinical testing. Allele origin: germline.
Comment: The p.C2148Y variant (also known as c.6443G>A), located in coding exon 46 of the POLE gene, results from a G to A substitution at nucleotide position 6443. The cysteine at codon 2148 is replaced by tyrosine, an amino acid with highly dissimilar properties. This amino acid position is highly conserved in available vertebrate species. In addition, this alteration is predicted to be deleterious by in silico analysis. Based on the available evidence, the clinical significance of this variant remains unclear.

Labcorp Genetics (formerly Invitae), Labcorp
Classification: Uncertain significance. Last evaluated: 2024-02-23. Review status: criteria provided, single submitter. Criteria: Invitae Variant Classification Sherloc (09022015). Collection method: clinical testing. Allele origin: germline.
Comment: This sequence change replaces cysteine, which is neutral and slightly polar, with tyrosine, which is neutral and polar, at codon 2148 of the POLE protein (p.Cys2148Tyr). This variant is present in population databases (no rsID available, gnomAD 0.0009%). This variant has not been reported in the literature in individuals affected with POLE-related conditions. ClinVar contains an entry for this variant (Variation ID: 964165). Advanced modeling of protein sequence and biophysical properties (such as structural, functional, and spatial information, amino acid conservation, physicochemical variation, residue mobility, and thermodynamic stability) performed at Invitae indicates that this missense variant is not expected to disrupt POLE protein function with a negative predictive value of 80%. In summary, the available evidence is currently insufficient to determine the role of this variant in disease. Therefore, it has been classified as a Variant of Uncertain Significance.

Department of Pathology and Laboratory Medicine, Sinai Health System
Classification: Uncertain significance for Polymerase proofreading-related adenomatous polyposis; Familial colorectal cancer type X. Last evaluated: 2020-10-02. Review status: criteria provided, single submitter. Criteria: ACMG Guidelines, 2015. Collection method: clinical testing. Allele origin: germline. Affected: yes.

NM_006231.4(POLE):c.6443G>A (p.Cys2148Tyr)

Gene: POLE (DNA polymerase epsilon, catalytic subunit; minus strand). Cytogenetic location: 12q24.33.
Variant type: single nucleotide variant.
Coding change: c.6443G>A on transcript NM_006231.4 (MANE Select); coding-DNA position 6443, G replaced by A.
Protein change: p.Cys2148Tyr; replaces cysteine 2148 with tyrosine.
Molecular consequence: missense variant.
Genome position (GRCh38, 1-based): chr12:132,626,205, C>T on the plus strand (G>A on the coding strand, the complement: POLE is on the minus strand). VCF-style: chr12-132626205-C-T. GRCh37 (hg19) VCF-style: chr12-133202791-C-T.
Other names: c.6443G>A (NM_006231.2); short protein forms C2148Y.
Identifiers: ClinVar variation 964165 (VCV000964165.11), dbSNP rs1226777955, ClinGen allele CA387367530.
Genomic context (GRCh38, chr12:132,626,205, plus strand): 5'-TCCAGGTCGCGGCAGAAGTTACAGCTGCGGCAGATGACCTCAGGAAGCACGTAGGAGCGG[C>T]AGGGGTCTCGGAACTGGGCCTCCTCGGAGAACTCGCCGACATCCACCAGGCGAAGCAGGT-3'
Protein context (NP_006222.2, residues 2138-2158): FSEEAQFRDP[Cys2148Tyr]RSYVLPEVIC